The following is an entry in ClinVar:

NM_005359.6(SMAD4):c.517T>G (p.Ser173Ala)

Gene: SMAD4 (SMAD family member 4; plus strand). Cytogenetic location: 18q21.2.
Variant type: single nucleotide variant.
Coding change: c.517T>G on transcript NM_005359.6 (MANE Select); coding-DNA position 517, T replaced by G.
Protein change: p.Ser173Ala; replaces serine 173 with alanine.
Molecular consequence: missense variant.
Genome position (GRCh38, 1-based): chr18:51,054,843, T>G. VCF-style: chr18-51054843-T-G. GRCh37 (hg19) VCF-style: chr18-48581213-T-G.
Other names: c.517T>G, p.Ser173Ala (NM_001407041.1, NM_001407042.1, NM_001407043.1); short protein forms S173A.
Identifiers: ClinVar variation 1942811 (VCV001942811.3), dbSNP rs2144418372, ClinGen allele CA402460785.
Genomic context (GRCh38, chr18:51,054,843, plus strand): 5'-CCATCAAGTATGATGGTGAAGGATGAATATGTGCATGACTTTGAGGGACAGCCATCGTTG[T>G]CCACTGAAGGACATTCAATTCAAACCATCCAGCATCCACCAAGTAATCGTGCATCGACAG-3'
Protein context (NP_005350.1, residues 163-183): VHDFEGQPSL[Ser173Ala]TEGHSIQTIQ

ClinVar aggregate classification (germline): Uncertain significance. Review status: criteria provided, multiple submitters, no conflicts (2 of 4 stars). 2 submissions from 2 submitters: Uncertain significance (2). Last evaluated 2025-07-18.

Conditions:
Familial thoracic aortic aneurysm and aortic dissection (TAAD). Also called: Thoracic aortic aneurysms and dissections. Identifiers: Orphanet 91387, MedGen C4707243, MONDO:0019625.
Hereditary cancer-predisposing syndrome. Also called: Neoplastic Syndromes, Hereditary; Hereditary neoplastic syndrome; Tumor predisposition; Hereditary Cancer Syndrome. Identifiers: Orphanet 140162, MedGen C0027672, MeSH D009386, MONDO:0015356.
Juvenile polyposis syndrome (JPS). Identifiers: Orphanet 2929, MedGen C0345893, MONDO:0017380, OMIM 174900.

Submissions (2):

Ambry Genetics
Classification: Uncertain significance for Hereditary cancer-predisposing syndrome; Familial thoracic aortic aneurysm and aortic dissection. Last evaluated: 2025-07-18. Review status: criteria provided, single submitter. Criteria: Ambry Variant Classification Scheme 2023. Collection method: clinical testing. Allele origin: germline.
Comment: The p.S173A variant (also known as c.517T>G), located in coding exon 4 of the SMAD4 gene, results from a T to G substitution at nucleotide position 517. The serine at codon 173 is replaced by alanine, an amino acid with similar properties. This amino acid position is conserved. In addition, this alteration is predicted to be tolerated by in silico analysis. Based on the available evidence, the clinical significance of this variant remains unclear.

Labcorp Genetics (formerly Invitae), Labcorp
Classification: Uncertain significance for Juvenile polyposis syndrome. Last evaluated: 2022-09-02. Review status: criteria provided, single submitter. Criteria: Invitae Variant Classification Sherloc (09022015). Collection method: clinical testing. Allele origin: germline.
Comment: This sequence change replaces serine, which is neutral and polar, with alanine, which is neutral and non-polar, at codon 173 of the SMAD4 protein (p.Ser173Ala). This variant is not present in population databases (gnomAD no frequency). This variant has not been reported in the literature in individuals affected with SMAD4-related conditions. Advanced modeling of protein sequence and biophysical properties (such as structural, functional, and spatial information, amino acid conservation, physicochemical variation, residue mobility, and thermodynamic stability) performed at Invitae indicates that this missense variant is not expected to disrupt SMAD4 protein function. In summary, the available evidence is currently insufficient to determine the role of this variant in disease. Therefore, it has been classified as a Variant of Uncertain Significance.